The following is an entry in ClinVar:

NM_004562.3(PRKN):c.572G>A (p.Arg191Gln)

Gene: PRKN (parkin RBR E3 ubiquitin protein ligase; minus strand). Cytogenetic location: 6q26.
Variant type: single nucleotide variant.
Coding change: c.572G>A on transcript NM_004562.3 (MANE Select); coding-DNA position 572, G replaced by A.
Protein change: p.Arg191Gln; replaces arginine 191 with glutamine.
Molecular consequence: missense variant. On other transcripts: intron variant (2).
Genome position (GRCh38, 1-based): chr6:162,054,137, C>T on the plus strand (G>A on the coding strand, the complement: PRKN is on the minus strand). VCF-style: chr6-162054137-C-T. GRCh37 (hg19) VCF-style: chr6-162475169-C-T.
Other names: c.172-80720G>A (NM_013988.3); c.535-80720G>A (NM_013987.3); c.572G>A (NM_004562.2); short protein forms R191Q.
Identifiers: ClinVar variation 2172558 (VCV002172558.2), dbSNP rs530632014, ClinGen allele CA4090310.
Genomic context (GRCh38, chr6:162,054,137, plus strand): 5'-GACCAGGTACTTACTGCACTAGTCCCAGGGCAGTGTGGGGATTGGCATTCACCACTCATC[C>T]GGTTTGGAATTAAAACATCATCCCAGCAAGATGGACCCTTTGGGAAAAAACAACAATATA-3'
Protein context (NP_004553.2, residues 181-201): SCWDDVLIPN[Arg191Gln]MSGECQSPHC

ClinVar aggregate classification (germline): Uncertain significance. Review status: criteria provided, multiple submitters, no conflicts (2 of 4 stars). 2 submissions from 2 submitters: Uncertain significance (2). Last evaluated 2025-10-06.

Conditions:
Inborn genetic diseases. Identifiers: MedGen C0950123, MeSH D030342.

Allele frequency attached by ClinVar (database versions not stated): 1000 Genomes Project 30x 0.00031; 1000 Genomes Project 0.00020; ExAC 0.00002; gnomAD 0.00003; TOPMed 0.00002.
gnomAD v4.1: 21 of 1,613,540 alleles (0.0013%); highest among the groups gnomAD compares: Admixed American, 0.0067%; no homozygotes.

Submissions (2):

Ambry Genetics
Classification: Uncertain significance for Inborn genetic diseases. Last evaluated: 2025-10-06. Review status: criteria provided, single submitter. Criteria: Ambry Variant Classification Scheme 2023. Collection method: clinical testing. Allele origin: germline.

Labcorp Genetics (formerly Invitae), Labcorp
Classification: Uncertain significance. Last evaluated: 2021-08-26. Review status: criteria provided, single submitter. Criteria: Invitae Variant Classification Sherloc (09022015). Collection method: clinical testing. Allele origin: germline.
Comment: This sequence change replaces arginine with glutamine at codon 191 of the PRKN protein (p.Arg191Gln). The arginine residue is highly conserved and there is a small physicochemical difference between arginine and glutamine. This variant is present in population databases (rs530632014, ExAC 0.004%). This variant has not been reported in the literature in individuals affected with PRKN-related conditions. Advanced modeling of protein sequence and biophysical properties (such as structural, functional, and spatial information, amino acid conservation, physicochemical variation, residue mobility, and thermodynamic stability) performed at Invitae indicates that this missense variant is not expected to disrupt PRKN protein function. Algorithms developed to predict the effect of sequence changes on RNA splicing suggest that this variant may create or strengthen a splice site. In summary, the available evidence is currently insufficient to determine the role of this variant in disease. Therefore, it has been classified as a Variant of Uncertain Significance.